The following is an entry in ClinVar:

ClinVar aggregate classification (germline): Uncertain significance. Review status: criteria provided, multiple submitters, no conflicts (2 of 4 stars). 2 submissions from 2 submitters: Uncertain significance (2). Last evaluated 2025-03-21.

Conditions:
Hereditary cancer-predisposing syndrome. Also called: Neoplastic Syndromes, Hereditary; Hereditary Cancer Syndrome; Tumor predisposition; Hereditary neoplastic syndrome. Identifiers: Orphanet 140162, MedGen C0027672, MeSH D009386, MONDO:0015356.
Peutz-Jeghers syndrome (PJS). Also called: Peutz-Jeghers polyposis; Periorificial lentiginosis syndrome; POLYPOSIS, HAMARTOMATOUS INTESTINAL; POLYPS-AND-SPOTS SYNDROME. Identifiers: Orphanet 2869, MedGen C0031269, MeSH D010580, MONDO:0008280, OMIM 175200.

Submissions (2):

Labcorp Genetics (formerly Invitae), Labcorp
Classification: Uncertain significance for Peutz-Jeghers syndrome. Last evaluated: 2025-03-21. Review status: criteria provided, single submitter. Criteria: Invitae Variant Classification Sherloc (09022015). Collection method: clinical testing. Allele origin: germline.
Comment: This sequence change replaces glutamine, which is neutral and polar, with histidine, which is basic and polar, at codon 100 of the STK11 protein (p.Gln100His). This variant is not present in population databases (gnomAD no frequency). This variant has not been reported in the literature in individuals affected with STK11-related conditions. ClinVar contains an entry for this variant (Variation ID: 1463238). Invitae Evidence Modeling of protein sequence and biophysical properties (such as structural, functional, and spatial information, amino acid conservation, physicochemical variation, residue mobility, and thermodynamic stability) indicates that this missense variant is not expected to disrupt STK11 protein function with a negative predictive value of 95%. In summary, the available evidence is currently insufficient to determine the role of this variant in disease. Therefore, it has been classified as a Variant of Uncertain Significance.

Ambry Genetics
Classification: Uncertain significance for Hereditary cancer-predisposing syndrome. Last evaluated: 2023-02-27. Review status: criteria provided, single submitter. Criteria: Ambry Variant Classification Scheme 2023. Collection method: clinical testing. Allele origin: germline.
Comment: The p.Q100H variant (also known as c.300A>T), located in coding exon 2 of the STK11 gene, results from an A to T substitution at nucleotide position 300. The glutamine at codon 100 is replaced by histidine, an amino acid with highly similar properties. This amino acid position is conserved. In addition, the in silico prediction for this alteration is inconclusive. Since supporting evidence is limited at this time, the clinical significance of this alteration remains unclear.

NM_000455.5(STK11):c.300A>T (p.Gln100His)

Gene: STK11 (serine/threonine kinase 11; plus strand). Cytogenetic location: 19p13.3.
Variant type: single nucleotide variant.
Coding change: c.300A>T on transcript NM_000455.5 (MANE Select); coding-DNA position 300, A replaced by T.
Protein change: p.Gln100His; replaces glutamine 100 with histidine.
Molecular consequence: missense variant.
Genome position (GRCh38, 1-based): chr19:1,218,426, A>T. VCF-style: chr19-1218426-A-T. GRCh37 (hg19) VCF-style: chr19-1218425-A-T.
Other names: c.300A>T (NM_000455.4); short protein forms Q100H.
Identifiers: ClinVar variation 1463238 (VCV001463238.9), dbSNP rs765890997, ClinGen allele CA402947649.
Genomic context (GRCh38, chr19:1,218,426, plus strand): 5'-CATCATCCTGACGTTGGGTCGGCTGATACACCCCTGTCCTCTCTGTCCCAGGGAAATTCA[A>T]CTACTGAGGAGGTTACGGCACAAAAATGTCATCCAGCTGGTGGATGTGTTATACAACGAA-3'
Protein context (NP_000446.1, residues 90-110): NGEANVKKEI[Gln100His]LLRRLRHKNV